The following is an entry in ClinVar:

ClinVar aggregate classification (germline): Likely pathogenic (1 of 4 stars; one submission).

Conditions:
Anemia, nonspherocytic hemolytic, due to G6PD deficiency (CNSHA1). Also called: Hemolytic anemia due to G6PD deficiency; Class I glucose-6-phosphate dehydrogenase deficiency; Favism, susceptibility to; ANEMIA, CONGENITAL, NONSPHEROCYTIC HEMOLYTIC, 1. Identifiers: Orphanet 466026, MedGen C2720289, MONDO:0010480, OMIM 300908.

Submissions (5):

Dunham Lab, University of Washington
Classification: Likely pathogenic for Anemia, nonspherocytic hemolytic, due to G6PD deficiency. Last evaluated: 2022-08-12. Review status: criteria provided, single submitter. Criteria: Bayesian ACMG Guidelines, 2018. Collection method: curation. Allele origin: maternal. Affected: yes.
Comment: Variant has decreased activity in red blood cells (less than 15%) and when expressed in E. coli (PS3). Not found in gnomAD (PM2). Post_P 0.975 (odds of pathogenicity 350.3, Prior_P 0.1).

Dr. Peter K. Rogan Lab, Western University
No classification provided (evidence only). Condition: Papillary renal cell carcinoma type 1. Review status: no classification provided. Collection method: in vitro. Allele origin: not applicable. Functional consequence: retained intron. Not counted in ClinVar's aggregate classification.

Dr. Peter K. Rogan Lab, Western University
No classification provided (evidence only). Condition: Thyroid cancer, nonmedullary, 1. Review status: no classification provided. Collection method: in vitro. Allele origin: not applicable. Functional consequence: retained intron. Not counted in ClinVar's aggregate classification.

Dr. Peter K. Rogan Lab, Western University
No classification provided (evidence only). Condition: Thyroid cancer, nonmedullary, 1. Review status: no classification provided. Collection method: in vitro. Allele origin: not applicable. Functional consequence: retained intron. Not counted in ClinVar's aggregate classification.

Dr. Peter K. Rogan Lab, Western University
No classification provided (evidence only). Condition: Thyroid cancer, nonmedullary, 1. Review status: no classification provided. Collection method: in vitro. Allele origin: not applicable. Functional consequence: retained intron. Not counted in ClinVar's aggregate classification.

Literature cited by the submitters: PubMed 12850494 (cited by Dunham Lab, University of Washington); PubMed 27213370 (cited by Dunham Lab, University of Washington).

NM_001360016.2(G6PD):c.770G>T (p.Arg257Leu)

Gene: G6PD (glucose-6-phosphate dehydrogenase; minus strand). Cytogenetic location: Xq28.
Variant type: single nucleotide variant.
Coding change: c.770G>T on transcript NM_001360016.2 (MANE Select); coding-DNA position 770, G replaced by T.
Protein change: p.Arg257Leu; replaces arginine 257 with leucine.
Molecular consequence: missense variant.
Genome position (GRCh38, 1-based): chrX:154,534,035, C>A on the plus strand (G>T on the coding strand, the complement: G6PD is on the minus strand). VCF-style: chrX-154534035-C-A. GRCh37 (hg19) VCF-style: chrX-153762250-C-A.
Other names: G6PD Zacatecas; NC_000023.10:g.153762250C>A; c.860G>T, p.Arg287Leu (NM_000402.4); c.770G>T, p.Arg257Leu (NM_001042351.3); short protein forms R257L, R287L.
Identifiers: ClinVar variation 1722758 (VCV001722758.3), dbSNP rs1334317184, ClinGen allele CA415236163.